The following is an entry in ClinVar:

ClinVar aggregate classification (germline): Likely pathogenic. Review status: reviewed by expert panel (3 of 4 stars). 3 submissions from 3 submitters: Likely pathogenic (1). 2 of the submissions do not count toward it. Last evaluated 2023-01-10.

Conditions:
Very long chain acyl-CoA dehydrogenase deficiency (ACADVLD). Also called: Very Long-Chain Acyl-Coenzyme A Dehydrogenase Deficiency; VLCAD Deficiency. Identifiers: Orphanet 26793, MedGen C3887523, MONDO:0008723, OMIM 201475.

Allele frequency attached by ClinVar (database versions not stated): gnomAD 0.00001.

Submissions (3):

ClinGen ACADVL Variant Curation Expert Panel, ClinGen
Classification: Likely pathogenic for Very long chain acyl-CoA dehydrogenase deficiency. Last evaluated: 2023-01-10. Review status: reviewed by expert panel. Criteria: clingen acadvl acmg specifications v1. Collection method: curation. Allele origin: germline. Inheritance: Autosomal recessive inheritance.
Comment: The NM_000018.4:c.770del (p.Asp257AlafsTer19) variant in ACADVL is a frameshift variant predicted to cause a premature stop codon in biologically relevant exon 9/20 leading to nonsense mediated decay in a gene in which loss-of-function is an established disease mechanism (PVS1; PMIDs 9973285, 11590124). At least one individual with this variant was identified by newborn screen, but this information is insufficient to use toward classification (PMID: 30194637, 20547398). Additionally, this variant was identified in an individual who reportedly had increased acylcarnities and decreased very long chain acyl-CoA dehydrogenase (VLCAD) activity, but this information was insufficient to use toward classification (PMID: 12682504). This variant is absent from gnomAD v2.1.1 (PM2_supporting). In summary, this variant meets the criteria to be classified as likely pathogenic for autosomal recessive VLCAD deficiency based on the ACMG/AMP criteria applied, as specified by the ClinGen ACADVL Variant Curation Expert Panel: PVS1, PM2_Supporting (ACADVL VCEP specifications version 1; approved November 8, 2021).

Baylor Genetics
Classification: Pathogenic for Very long chain acyl-CoA dehydrogenase deficiency. Last evaluated: 2024-02-13. Review status: criteria provided, single submitter. Criteria: ACMG Guidelines, 2015. Collection method: clinical testing. Allele origin: unknown. Not counted in ClinVar's aggregate classification.

Labcorp Genetics (formerly Invitae), Labcorp
Classification: Pathogenic for Very long chain acyl-CoA dehydrogenase deficiency. Last evaluated: 2023-12-30. Review status: criteria provided, single submitter. Criteria: Invitae Variant Classification Sherloc (09022015). Collection method: clinical testing. Allele origin: germline. Not counted in ClinVar's aggregate classification.
Comment: This sequence change creates a premature translational stop signal (p.Asp257Alafs*19) in the ACADVL gene. It is expected to result in an absent or disrupted protein product. Loss-of-function variants in ACADVL are known to be pathogenic (PMID: 9973285, 11590124). This variant is not present in population databases (gnomAD no frequency). This premature translational stop signal has been observed in individual(s) with VLCAD deficiency (PMID: 27209629). ClinVar contains an entry for this variant (Variation ID: 935797). For these reasons, this variant has been classified as Pathogenic.

Literature cited by the submitters: PubMed 9973285 (cited by Labcorp Genetics (formerly Invitae), Labcorp); PubMed 11590124 (cited by Labcorp Genetics (formerly Invitae), Labcorp); PubMed 27209629 (cited by Labcorp Genetics (formerly Invitae), Labcorp).

NM_000018.4(ACADVL):c.770del (p.Asp257fs)

Gene: ACADVL (acyl-CoA dehydrogenase very long chain; plus strand). Cytogenetic location: 17p13.1.
Variant type: Deletion.
Coding change: c.770del on transcript NM_000018.4 (MANE Select); coding-DNA position 770, one base deleted (A; older notation c.770delA).
Protein change: p.Asp257fs; shifts the reading frame from aspartic acid 257.
Molecular consequence: frameshift variant.
Genome position (GRCh38, 1-based): chr17:7,222,194, A deleted. VCF-style (leftmost placement, unchanged base first): chr17-7222193-GA-G. GRCh37 (hg19) VCF-style: chr17-7125512-GA-G.
Other names: NM_000018.4(ACADVL):c.770del; p.Asp257fs; c.704del, p.Asp235fs (NM_001033859.3); c.839del, p.Asp280fs (NM_001270447.2); c.542del, p.Asp181fs (NM_001270448.2); short protein forms D181fs, D257fs, D235fs, D280fs.
Identifiers: ClinVar variation 935797 (VCV000935797.11), dbSNP rs2071264706, ClinGen allele CA981153094.